The following is an entry in ClinVar:

NM_021098.3(CACNA1H):c.4223+3G>T

Gene: CACNA1H (calcium voltage-gated channel subunit alpha1 H; plus strand). Cytogenetic location: 16p13.3.
Variant type: single nucleotide variant.
Coding change: c.4223+3G>T on transcript NM_021098.3 (MANE Select); 3 bases into the intron after coding-DNA position 4223, G replaced by T.
Molecular consequence: intron variant.
Genome position (GRCh38, 1-based): chr16:1,210,974, G>T. VCF-style: chr16-1210974-G-T. GRCh37 (hg19) VCF-style: chr16-1260974-G-T.
Other names: c.4223+3G>T (NM_001005407.2).
Identifiers: ClinVar variation 3762436 (VCV003762436.2).
Genomic context (GRCh38, chr16:1,210,974, plus strand): 5'-CCAAGATCCTGGGTGTTCTGCGCGTGCTGCGTCTGCTGCGGACCCTGCGGCCTCTGAGGT[G>T]GGGGGCTCCCCGTGGGCTCCCGGGGCAACCTGGAAGCACAGTCCCCTGACGCCACTGCCC-3'

ClinVar aggregate classification (germline): Uncertain significance (1 of 4 stars; one submission).

Conditions:
Idiopathic generalized epilepsy. Also called: EIG; Generalised epilepsy. Identifiers: MedGen C0270850, MONDO:0005579, OMIM 600669.
Hyperaldosteronism, familial, type IV (HALD4). Also called: FH IV; ALDOSTERONISM, PRIMARY, AND HYPERTENSION. Identifiers: Orphanet 642671, MedGen C4310756, MONDO:0014875, OMIM 617027.

gnomAD v4.1: 7 of 1,592,210 alleles (0.00044%); highest among the groups gnomAD compares: Non-Finnish European, 0.0006%; no homozygotes.

Submission:

Labcorp Genetics (formerly Invitae), Labcorp
Classification: Uncertain significance for Idiopathic generalized epilepsy; Hyperaldosteronism, familial, type IV. Last evaluated: 2024-11-19. Review status: criteria provided, single submitter. Criteria: Invitae Variant Classification Sherloc (09022015). Collection method: clinical testing. Allele origin: germline.
Comment: This sequence change falls in intron 21 of the CACNA1H gene. It does not directly change the encoded amino acid sequence of the CACNA1H protein. It affects a nucleotide within the consensus splice site. This variant is not present in population databases (gnomAD no frequency). This variant has not been reported in the literature in individuals affected with CACNA1H-related conditions. Variants that disrupt the consensus splice site are a relatively common cause of aberrant splicing (PMID: 17576681, 9536098). Algorithms developed to predict the effect of sequence changes on RNA splicing suggest that this variant is not likely to affect RNA splicing. In summary, the available evidence is currently insufficient to determine the role of this variant in disease. Therefore, it has been classified as a Variant of Uncertain Significance.

Literature cited by the submitters: PubMed 17576681; PubMed 9536098.